The following is an entry in ClinVar:

ClinVar aggregate classification (germline): Uncertain significance (1 of 4 stars; one submission).

Conditions:
Nephronophthisis. Also called: Juvenile Nephronophthisis. Identifiers: Orphanet 655, MedGen C0687120, MONDO:0019005, HP:0000090.

Submission:

Labcorp Genetics (formerly Invitae), Labcorp
Classification: Uncertain significance for Nephronophthisis. Last evaluated: 2024-02-17. Review status: criteria provided, single submitter. Criteria: Invitae Variant Classification Sherloc (09022015). Collection method: clinical testing. Allele origin: germline.
Comment: This sequence change replaces arginine, which is basic and polar, with serine, which is neutral and polar, at codon 778 of the INVS protein (p.Arg778Ser). This variant is not present in population databases (gnomAD no frequency). This variant has not been reported in the literature in individuals affected with INVS-related conditions. ClinVar contains an entry for this variant (Variation ID: 1713789). An algorithm developed to predict the effect of missense changes on protein structure and function (PolyPhen-2) suggests that this variant is likely to be tolerated. In summary, the available evidence is currently insufficient to determine the role of this variant in disease. Therefore, it has been classified as a Variant of Uncertain Significance.

NM_014425.5(INVS):c.2334G>C (p.Arg778Ser)

Gene: INVS (inversin; plus strand). Cytogenetic location: 9q31.1.
Variant type: single nucleotide variant.
Coding change: c.2334G>C on transcript NM_014425.5 (MANE Select); coding-DNA position 2334, G replaced by C.
Protein change: p.Arg778Ser; replaces arginine 778 with serine.
Molecular consequence: missense variant. On other transcripts: non-coding transcript variant (1).
Genome position (GRCh38, 1-based): chr9:100,292,591, G>C. VCF-style: chr9-100292591-G-C. GRCh37 (hg19) VCF-style: chr9-103054873-G-C.
Other names: c.2046G>C, p.Arg682Ser (NM_001318381.2); c.1356G>C, p.Arg452Ser (NM_001318382.2); short protein forms R452S, R682S, R778S.
Identifiers: ClinVar variation 1713789 (VCV001713789.5), dbSNP rs150102201, ClinGen allele CA374242958.